The following is an entry in ClinVar:

ClinVar aggregate classification (germline): Likely benign. Review status: criteria provided, multiple submitters, no conflicts (2 of 4 stars). 7 submissions from 7 submitters: Likely benign (5). 2 of the submissions do not count toward it. Last evaluated 2025-12-29.

Conditions:
C11orf65-related disorder. Also called: C11orf65-related condition.
Hereditary cancer-predisposing syndrome. Also called: Neoplastic Syndromes, Hereditary; Hereditary Cancer Syndrome; Tumor predisposition; Hereditary neoplastic syndrome. Identifiers: Orphanet 140162, MedGen C0027672, MeSH D009386, MONDO:0015356.
Ataxia-telangiectasia syndrome (AT). Also called: LOUIS-BAR SYNDROME; Cerebello-oculocutaneous telangiectasia; Immunodeficiency with ataxia telangiectasia; Ataxia-telangiectasia, complementation group D; AT, COMPLEMENTATION GROUP C; Ataxia-telangiectasia, complementation group E. Identifiers: Orphanet 100, MedGen C0004135, MONDO:0008840, OMIM 208900.
Familial cancer of breast. Also called: Hereditary breast cancer; BREAST CANCER, FAMILIAL; hereditary breast carcinoma. Identifiers: Orphanet 227535, MedGen C0346153, MONDO:0016419, OMIM 114480. Disease mechanism: loss of function.

Allele frequency attached by ClinVar (database versions not stated): TOPMed below 0.00001.
gnomAD v4.1: 20 of 1,610,508 alleles (0.0012%); highest among the groups gnomAD compares: African/African-American, 0.0027%; no homozygotes.

Submissions (7):

Center for Genomic Medicine, Rigshospitalet, Copenhagen University Hospital
Classification: Likely benign. Last evaluated: 2025-12-29. Review status: criteria provided, single submitter. Criteria: ACMG Guidelines, 2015. Collection method: clinical testing. Allele origin: germline.
Comment: Classification criteria: BP4

Labcorp Genetics (formerly Invitae), Labcorp
Classification: Likely benign for Ataxia-telangiectasia syndrome. Last evaluated: 2025-11-10. Review status: criteria provided, single submitter. Criteria: Invitae Variant Classification Sherloc (09022015). Collection method: clinical testing. Allele origin: germline.

KCCC/NGS Laboratory, Kuwait Cancer Control Center
Classification: Likely benign for Familial cancer of breast. Last evaluated: 2023-07-07. Review status: criteria provided, single submitter. Criteria: ACMG Guidelines, 2015. Collection method: clinical testing. Allele origin: germline. Affected: yes.

GeneDx
Classification: Likely benign. Last evaluated: 2020-03-01. Review status: criteria provided, single submitter. Criteria: GeneDx Variant Classification Process June 2021. Collection method: clinical testing. Allele origin: germline. Affected: yes.

Color Diagnostics, LLC DBA Color Health
Classification: Likely benign for Hereditary cancer-predisposing syndrome. Last evaluated: 2017-08-28. Review status: criteria provided, single submitter. Criteria: ACMG Guidelines, 2015. Collection method: clinical testing. Allele origin: germline.

PreventionGenetics, part of Exact Sciences
Classification: Likely benign for C11orf65-related condition. Last evaluated: 2019-03-21. Review status: no assertion criteria provided. Collection method: clinical testing. Allele origin: germline. Not counted in ClinVar's aggregate classification.
Comment: This variant is classified as likely benign based on ACMG/AMP sequence variant interpretation guidelines (Richards et al. 2015 PMID: 25741868, with internal and published modifications).

Department of Pathology and Laboratory Medicine, Sinai Health System
Classification: Uncertain significance. Review status: no assertion criteria provided. Collection method: clinical testing. Allele origin: unknown. Affected: yes. Observed: 1 variant allele. Study: The Canadian Open Genetics Repository (COGR). Not counted in ClinVar's aggregate classification.
Comment: The ATM c.6095+6T>C variant was not identified in the literature nor was it identified in the dbSNP, Genesight-COGR, Cosmic, MutDB, LOVD 3.0, ATM-LOVD, the 1000 Genomes Project, the NHLBI GO Exome Sequencing Project or the genome Aggregation Consortium (Feb 27 2017) control databases. The variant was identified in ClinVar (classified as likely benign by GeneDx). The c.6095+6T>C variant is located in the 5' splice region but does not affect the invariant +1 and +2 positions. However, positions +3 to +6 are part of the splicing consensus sequence and variants involving these positions sometimes affect splicing. One of 5 in silico or computational prediction software programs (SpliceSiteFinder, MaxEntScan, NNSPLICE, GeneSplicer, HumanSpliceFinder) predict a greater than 10% difference in splicing but this is not very predictive of pathogenicity. In summary, based on the above information the clinical significance of this variant cannot be determined with certainty at this time. This variant is classified as a variant of uncertain significance.

NM_000051.4(ATM):c.6095+6T>C

Genes: ATM (ATM serine/threonine kinase; plus strand), C11orf65 (chromosome 11 open reading frame 65; minus strand). Cytogenetic location: 11q22.3.
Variant type: single nucleotide variant.
Coding change: c.6095+6T>C on transcript NM_000051.4 (MANE Select); 6 bases into the intron after coding-DNA position 6095, T replaced by C.
Molecular consequence: intron variant.
Genome position (GRCh38, 1-based): chr11:108,315,917, T>C. VCF-style: chr11-108315917-T-C. GRCh37 (hg19) VCF-style: chr11-108186644-T-C.
Other names: c.641-6846A>G (NM_001330368.2); c.*39-6846A>G (NM_001351110.2); c.6095+6T>C (NM_001351834.2).
Identifiers: ClinVar variation 388082 (VCV000388082.16), dbSNP rs1057522992, ClinGen allele CA16605813.